The following is an entry in ClinVar:

ClinVar aggregate classification (germline): Uncertain significance (1 of 4 stars; one submission).

Submission:

Labcorp Genetics (formerly Invitae), Labcorp
Classification: Uncertain significance. Last evaluated: 2022-06-13. Review status: criteria provided, single submitter. Criteria: Invitae Variant Classification Sherloc (09022015). Collection method: clinical testing. Allele origin: germline.
Comment: In summary, the available evidence is currently insufficient to determine the role of this variant in disease. Therefore, it has been classified as a Variant of Uncertain Significance. Algorithms developed to predict the effect of missense changes on protein structure and function are either unavailable or do not agree on the potential impact of this missense change (SIFT: "Deleterious"; PolyPhen-2: "Probably Damaging"; Align-GVGD: "Class C0"). ClinVar contains an entry for this variant (Variation ID: 861022). This variant has not been reported in the literature in individuals affected with ARL2BP-related conditions. This variant is not present in population databases (gnomAD no frequency). This sequence change replaces tyrosine, which is neutral and polar, with cysteine, which is neutral and slightly polar, at codon 69 of the ARL2BP protein (p.Tyr69Cys).

NM_012106.4(ARL2BP):c.206A>G (p.Tyr69Cys)

Gene: ARL2BP (ARF like GTPase 2 binding protein; plus strand). Cytogenetic location: 16q13.
Variant type: single nucleotide variant.
Coding change: c.206A>G on transcript NM_012106.4 (MANE Select); coding-DNA position 206, A replaced by G.
Protein change: p.Tyr69Cys; replaces tyrosine 69 with cysteine.
Molecular consequence: missense variant.
Genome position (GRCh38, 1-based): chr16:57,248,642, A>G. VCF-style: chr16-57248642-A-G. GRCh37 (hg19) VCF-style: chr16-57282554-A-G.
Other names: short protein forms Y69C.
Identifiers: ClinVar variation 861022 (VCV000861022.9), dbSNP rs2075398169, ClinGen allele CA396021953.
Genomic context (GRCh38, chr16:57,248,642, plus strand): 5'-ACCTGGAGTTTGAAGACACAGAAGAGAATAAACTCATCTACACACCTATTTTTAATGAAT[A>G]CGTAAGTAGATTTCTATGTCTCCTACCAGGAGGTCAGAGTTTTTAAAAATTTAAATTTAG-3'
Protein context (NP_036238.1, residues 59-79): KLIYTPIFNE[Tyr69Cys]ISLVEKYIEE